The following is an entry in ClinVar:

NM_001126108.2(SLC12A3):c.1930del (p.Gln644fs)

Gene: SLC12A3 (solute carrier family 12 member 3; plus strand). Cytogenetic location: 16q13.
Variant type: Deletion.
Coding change: c.1930del on transcript NM_001126108.2 (MANE Select); coding-DNA position 1930, one base deleted (C; older notation c.1930delC).
Protein change: p.Gln644fs; shifts the reading frame from glutamine 644.
Molecular consequence: frameshift variant.
Genome position (GRCh38, 1-based): chr16:56,886,368, C deleted; the last of 5 consecutive C bases (chr16:56,886,364-56,886,368); deleting any one gives the same sequence. VCF-style (leftmost placement, unchanged base first): chr16-56886363-GC-G. GRCh37 (hg19) VCF-style: chr16-56920275-GC-G.
Other names: c.1930delC (NM_000339.2); c.1930del, p.Gln644fs (NM_000339.3); c.1927del, p.Gln643fs (NM_001126107.2); short protein forms Q643fs, Q644fs.
Identifiers: ClinVar variation 1073480 (VCV001073480.20), dbSNP rs779215330, ClinGen allele CA8069665.

ClinVar aggregate classification (germline): Pathogenic. Review status: criteria provided, multiple submitters, no conflicts (2 of 4 stars). 7 submissions from 7 submitters: Pathogenic (7). Last evaluated 2025-08-14.

Conditions:
Renal tubulopathies.
Familial hypokalemia-hypomagnesemia (GTLMNS). Also called: HYPOMAGNESEMIA-HYPOKALEMIA, PRIMARY RENOTUBULAR, WITH HYPOCALCIURIA; POTASSIUM AND MAGNESIUM DEPLETION; gitelman syndrome. Identifiers: Orphanet 358, MedGen C0268450, MONDO:0009904, OMIM 263800.

Submissions (7):

Genetics Laboratory, Great Ormond Street Hospital NHS Foundation Trust, North Thames Genomic Laboratory Hub
Classification: Pathogenic for Renal tubulopathies. Last evaluated: 2025-08-14. Review status: criteria provided, single submitter. Criteria: ACGS Best Practice Guidelines for Variant Classification in Rare Disease 2024 v1.2. Collection method: clinical testing. Allele origin: germline. Affected: yes.
Comment: PM2_moderate, PVS1_very-strong, PM3_moderate

Natera, Inc.
Classification: Pathogenic for Gitelman syndrome. Last evaluated: 2025-05-30. Review status: criteria provided, single submitter. Criteria: Natera Variant Classification Schema (03/2026). Collection method: clinical testing. Allele origin: germline.
Comment: The c.1930delC variant in SLC12A3 is a frameshift variant predicted to shift the reading frame beginning at codon 644 and leads to a stop codon 28 codons downstream. This variant is expected to result in nonsense mediated decay, truncation, or a dysfunctional protein product. This variant is rare in the general population with a frequency below the threshold expected for the associated phenotype(s). This variant has been observed in one or more individuals affected with the associated recessive disease, as either homozygous or compound heterozygous with a second variant (PMID: 30596175). Given the available evidence, this variant is classified as Pathogenic.

GeneDx
Classification: Pathogenic. Last evaluated: 2025-03-21. Review status: criteria provided, single submitter. Criteria: GeneDx Variant Classification Process June 2021. Collection method: clinical testing. Allele origin: germline. Affected: yes.
Comment: Frameshift variant predicted to result in protein truncation or nonsense mediated decay in a gene for which loss-of-function is a known mechanism of disease; Not observed at significant frequency in large population cohorts (gnomAD); This variant is associated with the following publications: (PMID: 31672324, 17511264, 29871959, 16370563, Wan2021[preprint], 33348466, 27872838, 25060058, 30596175, 35628451, 15069170)

Fulgent Genetics
Classification: Pathogenic for Familial hypokalemia-hypomagnesemia. Last evaluated: 2024-05-31. Review status: criteria provided, single submitter. Criteria: ACMG Guidelines, 2015. Collection method: clinical testing. Allele origin: germline.

Labcorp Genetics (formerly Invitae), Labcorp
Classification: Pathogenic. Last evaluated: 2023-11-01. Review status: criteria provided, single submitter. Criteria: Invitae Variant Classification Sherloc (09022015). Collection method: clinical testing. Allele origin: germline.
Comment: This sequence change creates a premature translational stop signal (p.Gln644Serfs*28) in the SLC12A3 gene. It is expected to result in an absent or disrupted protein product. Loss-of-function variants in SLC12A3 are known to be pathogenic (PMID: 20848653, 22009145, 25841442). This variant is present in population databases (rs779215330, gnomAD 0.002%). This premature translational stop signal has been observed in individual(s) with Gitelman syndrome (PMID: 15069170, 30596175). In at least one individual the data is consistent with being in trans (on the opposite chromosome) from a pathogenic variant. This variant is also known as 1932delC. ClinVar contains an entry for this variant (Variation ID: 1073480). Algorithms developed to predict the effect of sequence changes on RNA splicing suggest that this variant may disrupt the consensus splice site. For these reasons, this variant has been classified as Pathogenic.

European Hospital Georges Pompidou Genetics Department, Assistance Publique - Hôpitaux de Paris AP-HP
Classification: Pathogenic for Familial hypokalemia-hypomagnesemia. Last evaluated: 2022-04-27. Review status: criteria provided, single submitter. Criteria: ACMG Guidelines, 2015. Collection method: clinical testing. Allele origin: germline. Affected: yes.
Comment: ACMG criteria used:PVS1, PS4, PM1, PM2, PM3, PM4, PP5

Genome-Nilou Lab
Classification: Pathogenic for Familial hypokalemia-hypomagnesemia. Last evaluated: 2021-07-15. Review status: criteria provided, single submitter. Criteria: ACMG Guidelines, 2015. Collection method: clinical testing. Allele origin: germline. Affected: no.

Literature cited by the submitters: PubMed 30596175 (cited by Natera, Inc. and Labcorp Genetics (formerly Invitae), Labcorp); PubMed 20848653 (cited by Labcorp Genetics (formerly Invitae), Labcorp); PubMed 22009145 (cited by Labcorp Genetics (formerly Invitae), Labcorp); PubMed 25841442 (cited by Labcorp Genetics (formerly Invitae), Labcorp); PubMed 15069170 (cited by Labcorp Genetics (formerly Invitae), Labcorp).